The following is an entry in ClinVar:

NM_033380.3(COL4A5):c.2069G>T (p.Gly690Val)

Gene: COL4A5 (collagen type IV alpha 5 chain; plus strand). Cytogenetic location: Xq22.3.
Variant type: single nucleotide variant.
Coding change: c.2069G>T on transcript NM_033380.3 (MANE Select); coding-DNA position 2069, G replaced by T.
Protein change: p.Gly690Val; replaces glycine 690 with valine.
Molecular consequence: missense variant.
Genome position (GRCh38, 1-based): chrX:108,601,912, G>T. VCF-style: chrX-108601912-G-T. GRCh37 (hg19) VCF-style: chrX-107845142-G-T.
Other names: c.2069G>T, p.Gly690Val (NM_000495.5); short protein forms G690V.
Identifiers: ClinVar variation 2069619 (VCV002069619.4), dbSNP rs2524328425, ClinGen allele CA413846949.

ClinVar aggregate classification (germline): Likely pathogenic (1 of 4 stars; one submission).

Submission:

Labcorp Genetics (formerly Invitae), Labcorp
Classification: Likely pathogenic. Last evaluated: 2022-01-02. Review status: criteria provided, single submitter. Criteria: Invitae Variant Classification Sherloc (09022015). Collection method: clinical testing. Allele origin: germline.
Comment: This variant is not present in population databases (gnomAD no frequency). In summary, the currently available evidence indicates that the variant is pathogenic, but additional data are needed to prove that conclusively. Therefore, this variant has been classified as Likely Pathogenic. This variant disrupts the triple helix domain of COL4A5. Glycine residues within the Gly-Xaa-Yaa repeats of the triple helix domain are required for the structure and stability of fibrillar collagens (PMID: 7695699, 8218237, 19344236). In COL4A5, missense variants at these glycine residues are significantly enriched in individuals with disease (PMID: 23720012, 27627812) compared to the general population (ExAC). Advanced modeling of protein sequence and biophysical properties (such as structural, functional, and spatial information, amino acid conservation, physicochemical variation, residue mobility, and thermodynamic stability) performed at Invitae indicates that this missense variant is expected to disrupt COL4A5 protein function. This variant has not been reported in the literature in individuals affected with COL4A5-related conditions. This sequence change replaces glycine, which is neutral and non-polar, with valine, which is neutral and non-polar, at codon 690 of the COL4A5 protein (p.Gly690Val).

Literature cited by the submitters: PubMed 7695699; PubMed 8218237; PubMed 19344236; PubMed 23720012; PubMed 27627812.